The following is an entry in ClinVar:

ClinVar aggregate classification (germline): Likely benign. Review status: criteria provided, single submitter (1 of 4 stars). 2 submissions from 2 submitters: Likely benign (1). 1 of the submissions does not count toward it. Last evaluated 2025-11-23.

Conditions:
PLOD3-related disorder. Also called: PLOD3-related condition.

Allele frequency attached by ClinVar (database versions not stated): ESP Exome Variant Server 0.00008; ExAC 0.00013; gnomAD exomes 0.00014; gnomAD 0.00015 and 0.00016; TOPMed 0.00015; 1000 Genomes Project 30x 0.00016; 1000 Genomes Project 0.00020.
gnomAD v4.1: 227 of 1,574,690 alleles (0.014%); highest among the groups gnomAD compares: Non-Finnish European, 0.017%; no homozygotes.

Submissions (2):

Labcorp Genetics (formerly Invitae), Labcorp
Classification: Likely benign. Last evaluated: 2025-11-23. Review status: criteria provided, single submitter. Criteria: Invitae Variant Classification Sherloc (09022015). Collection method: clinical testing. Allele origin: germline.

PreventionGenetics, part of Exact Sciences
Classification: Likely benign for PLOD3-related condition. Last evaluated: 2019-08-29. Review status: no assertion criteria provided. Collection method: clinical testing. Allele origin: germline. Not counted in ClinVar's aggregate classification.
Comment: This variant is classified as likely benign based on ACMG/AMP sequence variant interpretation guidelines (Richards et al. 2015 PMID: 25741868, with internal and published modifications).

NM_001084.5(PLOD3):c.2004C>T (p.His668=)

Gene: PLOD3 (procollagen-lysine,2-oxoglutarate 5-dioxygenase 3; minus strand). Cytogenetic location: 7q22.1.
Variant type: single nucleotide variant.
Coding change: c.2004C>T on transcript NM_001084.5 (MANE Select); coding-DNA position 2004, C replaced by T.
Protein change: p.His668=; no amino-acid change (histidine 668 retained).
Molecular consequence: synonymous variant.
Genome position (GRCh38, 1-based): chr7:101,206,836, G>A on the plus strand (C>T on the coding strand, the complement: PLOD3 is on the minus strand). VCF-style: chr7-101206836-G-A. GRCh37 (hg19) VCF-style: chr7-100850117-G-A.
Identifiers: ClinVar variation 734968 (VCV000734968.10), dbSNP rs374560741, ClinGen allele CA4407423.